The following is an entry in ClinVar:

NM_004360.5(CDH1):c.955A>C (p.Ile319Leu)

Gene: CDH1 (cadherin 1; plus strand). Cytogenetic location: 16q22.1.
Variant type: single nucleotide variant.
Coding change: c.955A>C on transcript NM_004360.5 (MANE Select); coding-DNA position 955, A replaced by C.
Protein change: p.Ile319Leu; replaces isoleucine 319 with leucine.
Molecular consequence: missense variant. On other transcripts: 5 prime UTR variant (2).
Genome position (GRCh38, 1-based): chr16:68,811,806, A>C. VCF-style: chr16-68811806-A-C. GRCh37 (hg19) VCF-style: chr16-68845709-A-C.
Other names: c.955A>C (LRG_301t1); c.955A>C, p.Ile319Leu (NM_001317184.2); c.-661A>C (NM_001317185.2); c.-865A>C (NM_001317186.2); short protein forms I319L.
Identifiers: ClinVar variation 463797 (VCV000463797.23), dbSNP rs1486730461, ClinGen allele CA396459799.
Genomic context (GRCh38, chr16:68,811,806, plus strand): 5'-GCCATCGCTTACACCATCCTCAGCCAAGATCCTGAGCTCCCTGACAAAAATATGTTCACC[A>C]TTAACAGGAACACAGGAGTCATCAGTGTGGTCACCACTGGGCTGGACCGAGAGGTCAGGG-3'
Protein context (NP_004351.1, residues 309-329): PELPDKNMFT[Ile319Leu]NRNTGVISVV

ClinVar aggregate classification (germline): Uncertain significance. Review status: criteria provided, multiple submitters, no conflicts (2 of 4 stars). 4 submissions from 4 submitters: Uncertain significance (4). Last evaluated 2026-08-21.

Conditions:
Hereditary diffuse gastric adenocarcinoma (HDGC). Also called: DIFFUSE GASTRIC AND LOBULAR BREAST CANCER SYNDROME. Identifiers: Orphanet 26106, MedGen C1708349, MONDO:0007648, OMIM 137215.
Hereditary cancer-predisposing syndrome. Also called: Neoplastic Syndromes, Hereditary; Hereditary neoplastic syndrome; Hereditary Cancer Syndrome; Tumor predisposition. Identifiers: Orphanet 140162, MedGen C0027672, MeSH D009386, MONDO:0015356.

Allele frequency attached by ClinVar (database versions not stated): TOPMed below 0.00001.

Submissions (4):

Ambry Genetics
Classification: Uncertain significance for Hereditary cancer-predisposing syndrome. Last evaluated: 2026-08-21. Review status: criteria provided, single submitter. Criteria: Ambry Variant Classification Scheme 2023. Collection method: clinical testing. Allele origin: germline.

Labcorp Genetics (formerly Invitae), Labcorp
Classification: Uncertain significance for Hereditary diffuse gastric adenocarcinoma. Last evaluated: 2025-12-19. Review status: criteria provided, single submitter. Criteria: Invitae Variant Classification Sherloc (09022015). Collection method: clinical testing. Allele origin: germline.
Comment: This sequence change replaces isoleucine, which is neutral and non-polar, with leucine, which is neutral and non-polar, at codon 319 of the CDH1 protein (p.Ile319Leu). This variant is not present in population databases (gnomAD no frequency). This variant has not been reported in the literature in individuals affected with CDH1-related conditions. ClinVar contains an entry for this variant (Variation ID: 463797). An algorithm developed to predict the effect of missense changes on protein structure and function (PolyPhen-2) suggests that this variant is likely to be disruptive. In summary, the available evidence is currently insufficient to determine the role of this variant in disease. Therefore, it has been classified as a Variant of Uncertain Significance.

Color Diagnostics, LLC DBA Color Health
Classification: Uncertain significance for Hereditary cancer-predisposing syndrome. Last evaluated: 2023-12-05. Review status: criteria provided, single submitter. Criteria: ACMG Guidelines, 2015. Collection method: clinical testing. Allele origin: germline.
Comment: This missense variant replaces isoleucine with leucine at codon 319 of the CDH1 protein. To our knowledge, functional studies have not been reported for this variant. This variant has not been reported in individuals affected with hereditary cancer in the literature. This variant has not been identified in the general population by the Genome Aggregation Database (gnomAD). The available evidence is insufficient to determine the role of this variant in disease conclusively. Therefore, this variant is classified as a Variant of Uncertain Significance.

GeneDx
Classification: Uncertain significance. Last evaluated: 2019-09-09. Review status: criteria provided, single submitter. Criteria: GeneDx Variant Classification Process June 2021. Collection method: clinical testing. Allele origin: germline. Affected: yes.
Comment: Not observed in large population cohorts (Lek et al., 2016); In silico analysis, which includes protein predictors and evolutionary conservation, supports that this variant does not alter protein structure/function; Has not been previously published as pathogenic or benign to our knowledge